The following is an entry in ClinVar:

ClinVar aggregate classification (germline): Conflicting classifications of pathogenicity. Review status: criteria provided, conflicting classifications (1 of 4 stars). 3 submissions from 3 submitters: Uncertain significance (2); Likely benign (1). Last evaluated 2023-04-24.

Conditions:
Marfan syndrome (MFS). Also called: Marfan syndrome, classic; Marfan syndrome type 1; Marfan's syndrome; MARFAN SYNDROME, TYPE I; FBN1-Related Marfan Syndrome. Identifiers: Orphanet 284963, Orphanet 558, MedGen C0024796, MONDO:0007947, OMIM 154700.

Allele frequency attached by ClinVar (database versions not stated): gnomAD exomes 0.00002 and below 0.00001; ExAC 0.00001; gnomAD 0.00001; TOPMed 0.00002.
gnomAD v4.1: 30 of 1,614,018 alleles (0.0019%); highest among the groups gnomAD compares: Non-Finnish European, 0.0024%; no homozygotes.

Submissions (3):

GeneDx
Classification: Uncertain significance. Last evaluated: 2023-04-24. Review status: criteria provided, single submitter. Criteria: GeneDx Variant Classification Process June 2021. Collection method: clinical testing. Allele origin: germline. Affected: yes.
Comment: Not observed at significant frequency in large population cohorts (gnomAD); In silico analysis supports that this missense variant has a deleterious effect on protein structure/function; Has not been previously published as pathogenic or benign to our knowledge

Labcorp Genetics (formerly Invitae), Labcorp
Classification: Uncertain significance. Last evaluated: 2022-09-06. Review status: criteria provided, single submitter. Criteria: Invitae Variant Classification Sherloc (09022015). Collection method: clinical testing. Allele origin: germline.
Comment: This sequence change replaces proline, which is neutral and non-polar, with serine, which is neutral and polar, at codon 606 of the COL9A1 protein (p.Pro606Ser). This variant is present in population databases (rs773380068, gnomAD 0.004%). This variant has not been reported in the literature in individuals affected with COL9A1-related conditions. ClinVar contains an entry for this variant (Variation ID: 392235). Algorithms developed to predict the effect of missense changes on protein structure and function (SIFT, PolyPhen-2, Align-GVGD) all suggest that this variant is likely to be disruptive. In summary, the available evidence is currently insufficient to determine the role of this variant in disease. Therefore, it has been classified as a Variant of Uncertain Significance.

MNM Diagnostics
Classification: Likely benign for Marfan syndrome. Last evaluated: 2020-03-25. Review status: criteria provided, single submitter. Criteria: ACMG Guidelines, 2015. Collection method: clinical testing. Allele origin: maternal. Affected: yes. Observed: 2 variant alleles.
Comment: According to ACMG Guidelines, the variant was interpreted as likely bening based on the following criteria: PM1, PM2, PP3, BS2, BP1.

NM_001851.6(COL9A1):c.1816C>T (p.Pro606Ser)

Gene: COL9A1 (collagen type IX alpha 1 chain; minus strand). Cytogenetic location: 6q13.
Variant type: single nucleotide variant.
Coding change: c.1816C>T on transcript NM_001851.6 (MANE Select); coding-DNA position 1816, C replaced by T.
Protein change: p.Pro606Ser; replaces proline 606 with serine.
Molecular consequence: missense variant. On other transcripts: non-coding transcript variant (1).
Genome position (GRCh38, 1-based): chr6:70,252,264, G>A on the plus strand (C>T on the coding strand, the complement: COL9A1 is on the minus strand). VCF-style: chr6-70252264-G-A. GRCh37 (hg19) VCF-style: chr6-70961967-G-A.
Other names: c.1117C>T, p.Pro373Ser (NM_001377289.1); c.1087C>T, p.Pro363Ser (NM_001377290.1, NM_078485.4); short protein forms P606S, P363S, P373S.
Identifiers: ClinVar variation 392235 (VCV000392235.6), dbSNP rs773380068, ClinGen allele CA3882005.